The following is an entry in ClinVar:

NM_001267550.2(TTN):c.62411C>A (p.Thr20804Asn)

Genes: TTN (titin; minus strand), TTN-AS1 (TTN antisense RNA 1; plus strand). Cytogenetic location: 2q31.2.
Variant type: single nucleotide variant.
Coding change: c.62411C>A on transcript NM_001267550.2 (MANE Select); coding-DNA position 62411, C replaced by A.
Protein change: p.Thr20804Asn; replaces threonine 20804 with asparagine.
Molecular consequence: missense variant.
Genome position (GRCh38, 1-based): chr2:178,589,314, G>T on the plus strand (C>A on the coding strand, the complement: TTN is on the minus strand). VCF-style: chr2-178589314-G-T. GRCh37 (hg19) VCF-style: chr2-179454041-G-T.
Other names: c.57488C>A, p.Thr19163Asn (NM_001256850.1); c.35216C>A, p.Thr11739Asn (NM_003319.4); c.54707C>A, p.Thr18236Asn (NM_133378.4); c.35591C>A, p.Thr11864Asn (NM_133432.3); c.35792C>A, p.Thr11931Asn (NM_133437.4); short protein forms T20804N, T11739N, T18236N, T11864N, T11931N, T19163N.
Identifiers: ClinVar variation 467347 (VCV000467347.7), dbSNP rs1218971734, ClinGen allele CA349464888.
Genomic context (GRCh38, chr2:178,589,314, plus strand): 5'-GCACGGGTATCAATCTTGACCCTTGGTGATCTTGTTAAGTCTGTAGCGTCTTTGTCCTTG[G>T]TCCATGCAACTTCTGGGAATGGTTTGCCTCTAACCCCTGCCTCAAGCCTAATGGTGTCCC-3'
Protein context (NP_001254479.2, residues 20794-20814): RGKPFPEVAW[Thr20804Asn]KDKDATDLTR

ClinVar aggregate classification (germline): Uncertain significance. Review status: criteria provided, multiple submitters, no conflicts (2 of 4 stars). 2 submissions from 2 submitters: Uncertain significance (2). Last evaluated 2017-03-15.

Conditions:
Autosomal recessive limb-girdle muscular dystrophy type 2J (LGMDR10). Also called: Limb-girdle muscular dystrophy, type 2J; MUSCULAR DYSTROPHY, LIMB-GIRDLE, AUTOSOMAL RECESSIVE 10. Identifiers: Orphanet 140922, MedGen C1837342, MONDO:0012127, OMIM 608807.
Dilated cardiomyopathy 1G (CMD1G). Identifiers: Orphanet 154, MedGen C1858763, MONDO:0011400, OMIM 604145.
Cardiovascular phenotype. Identifiers: MedGen CN230736.

Allele frequency attached by ClinVar (database versions not stated): TOPMed 0.00002.

Submissions (2):

Ambry Genetics
Classification: Uncertain significance for Cardiovascular phenotype. Last evaluated: 2017-03-15. Review status: criteria provided, single submitter. Criteria: Ambry Variant Classification Scheme 2023. Collection method: clinical testing. Allele origin: germline.
Comment: The p.T11739N variant (also known as c.35216C>A), located in coding exon 131 of the TTN gene, results from a C to A substitution at nucleotide position 35216. The threonine at codon 11739 is replaced by asparagine, an amino acid with similar properties. This amino acid position is not well conserved in available vertebrate species, and asparagine is the reference amino acid in other vertebrate species. In addition, this alteration is predicted to be tolerated by in silico analysis. Since supporting evidence is limited at this time, the clinical significance of this alteration remains unclear.

Labcorp Genetics (formerly Invitae), Labcorp
Classification: Uncertain significance for Dilated cardiomyopathy 1G; Autosomal recessive limb-girdle muscular dystrophy type 2J. Last evaluated: 2017-03-15. Review status: criteria provided, single submitter. Criteria: Invitae Variant Classification Sherloc (09022015). Collection method: clinical testing. Allele origin: germline.